The following is an entry in ClinVar:

ClinVar aggregate classification (germline): Uncertain significance. Review status: criteria provided, single submitter (1 of 4 stars). 2 submissions from 1 submitter: Uncertain significance (2). Last evaluated 2018-11-13.

Conditions:
Developmental and epileptic encephalopathy. Identifiers: MedGen C5779964, MONDO:0100620.
Neuropathy, hereditary sensory and autonomic, type 2A (HSAN2A). Also called: HSAN IIA; WNK1-Related HSAN2 (HSAN2A); ACROOSTEOLYSIS, GIACCAI TYPE; ACROOSTEOLYSIS, NEUROGENIC; MORVAN DISEASE; NEUROPATHY, CONGENITAL SENSORY. Identifiers: Orphanet 970, MedGen C2752089, MONDO:0024309, OMIM 201300.
Generalized epilepsy with febrile seizures plus, type 7 (GEFSP7). Also called: GEFS+, TYPE 7. Identifiers: Orphanet 36387, MedGen C2751778, MONDO:0013470, OMIM 613863.

Submissions (2):

Labcorp Genetics (formerly Invitae), Labcorp
Classification: Uncertain significance for Early infantile epileptic encephalopathy with suppression bursts. Last evaluated: 2018-11-13. Review status: criteria provided, single submitter. Criteria: Invitae Variant Classification Sherloc (09022015). Collection method: clinical testing. Allele origin: germline.
Comment: This variant results in a copy number gain of the genomic region encompassing the full coding sequence of the SCN1A gene. The boundaries of this event are unknown as they extend beyond the assayed region for this gene and therefore may encompass additional genes. As the precise location of this event is unknown, it may be in tandem or it may be located elsewhere in the genome. Isolated whole-gene copy number gains of SCN1A have not been reported in the literature. However, larger copy number events that include this gene have been reported (PMID: 23016767). Experimental studies are not available for this variant, and the functional significance of a copy number gain of this gene is currently unknown. In summary, the available evidence is currently insufficient to determine the role of this variant in disease. Therefore, it has been classified as a Variant of Uncertain Significance.

Labcorp Genetics (formerly Invitae), Labcorp
Classification: Uncertain significance for Neuropathy, hereditary sensory and autonomic, type 2A; Generalized epilepsy with febrile seizures plus, type 7. Last evaluated: 2018-11-08. Review status: criteria provided, single submitter. Criteria: Invitae Variant Classification Sherloc (09022015). Collection method: clinical testing. Allele origin: germline.
Comment: In summary, the available evidence is currently insufficient to determine the role of this variant in disease. Therefore, it has been classified as a Variant of Uncertain Significance. Experimental studies are not available for this variant, and the functional significance of a copy number gain of these exons is currently unknown. This variant has not been reported in the literature in individuals with SCN9A-related disease. This variant results in a copy number gain of the genomic region encompassing exons 18-27 of the SCN9A gene. The 5' boundary is likely confined to intron 17. The 3' end of this event is unknown as it extends beyond the assayed region for this gene and therefore may encompass additional genes. As the precise location of this event is unknown, it may be in tandem or it may be located elsewhere in the genome.

Literature cited by the submitters: PubMed 23016767.

NC_000002.11:g.(?_166152314)_(167108415_?)dup

Genes: CSRNP3 (cysteine and serine rich nuclear protein 3; plus strand), GALNT3 (polypeptide N-acetylgalactosaminyltransferase 3; minus strand), SCN1A (sodium voltage-gated channel alpha subunit 1; minus strand), SCN1A-AS1 (SCN1A and SCN9A antisense RNA 1; plus strand), SCN2A (sodium voltage-gated channel alpha subunit 2; plus strand) and 11 more. Cytogenetic location: 2q24.3.
Variant type: Duplication.
Identifiers: ClinVar variation 655230 (VCV000655230.5).